The following is an entry in ClinVar:

ClinVar aggregate classification (germline): Likely pathogenic (1 of 4 stars; one submission).

Conditions:
Ellis-van Creveld syndrome (EVC). Also called: EVC-Related Ellis-van Creveld Syndrome; EVC2-Related Ellis-van Creveld Syndrome; MESOECTODERMAL DYSPLASIA; Chondroectodermal dysplasia. Identifiers: Orphanet 289, MedGen C0013903, MONDO:0009162, OMIM 225500.

Submission:

Myriad Genetics, Inc.
Classification: Likely pathogenic for Ellis-van Creveld syndrome. Last evaluated: 2022-04-06. Review status: criteria provided, single submitter. Criteria: Myriad Women's Health Autosomal Recessive and X-Linked Classification Criteria (2021). Collection method: clinical testing. Allele origin: unknown.
Comment: NM_153717.2(EVC):c.1361_1362delACinsT(H454Lfs*46) is expected to be pathogenic in the context of EVC-related Ellis-van Creveld syndrome. This variant is predicted to lead to an abnormal or absent protein product due to the creation of a premature termination codon in EVC, a gene where loss-of-function variants are known to be pathogenic. Please note: this variant was assessed in the context of healthy population screening.

NM_153717.3(EVC):c.1361_1362delinsT (p.His454fs)

Gene: EVC (EvC ciliary complex subunit 1; plus strand). Cytogenetic location: 4p16.2.
Variant type: Indel.
Coding change: c.1361_1362delinsT on transcript NM_153717.3 (MANE Select); coding-DNA positions 1361 to 1362, AC replaced by T.
Protein change: p.His454fs; shifts the reading frame from histidine 454.
Molecular consequence: frameshift variant.
Genome position (GRCh38, 1-based): chr4:5,753,830-5,753,831, AC replaced by T. VCF-style: chr4-5753830-AC-T. GRCh37 (hg19) VCF-style: chr4-5755557-AC-T.
Other names: c.1361_1362delinsT, p.His454fs (NM_001306090.2, NM_001306092.2); short protein forms H454fs.
Identifiers: ClinVar variation 1725890 (VCV001725890.2), dbSNP rs2475422633, ClinGen allele CA2580071067.